The following continues an entry in ClinVar:

NM_007194.4(CHEK2):c.157T>A (p.Ser53Thr)

Gene: CHEK2. ClinVar aggregate classification (germline): Conflicting classifications of pathogenicity. Uncertain significance (12); Benign (1); Likely benign (1).

Submissions 10 to 16 of 16:

Department of Pathology and Laboratory Medicine, Sinai Health System
Classification: Uncertain significance for Li-Fraumeni syndrome. Last evaluated: 2021-10-08. Review status: criteria provided, single submitter. Criteria: ACMG Guidelines, 2015. Collection method: clinical testing. Allele origin: germline. Affected: yes.

Fulgent Genetics
Classification: Uncertain significance for Familial cancer of breast; Familial prostate cancer; Bone osteosarcoma; CHEK2-related cancer predisposition. Last evaluated: 2018-10-31. Review status: criteria provided, single submitter. Criteria: ACMG Guidelines, 2015. Collection method: clinical testing. Allele origin: unknown.

Mendelics
Classification: Uncertain significance for Familial cancer of breast. Last evaluated: 2018-07-02. Review status: criteria provided, single submitter. Criteria: Mendelics Assertion Criteria 2017. Collection method: clinical testing. Allele origin: unknown.

Illumina Laboratory Services, Illumina
Classification: Uncertain significance for CHEK2-Related Cancer Susceptibility. Last evaluated: 2018-01-12. Review status: criteria provided, single submitter. Criteria: ICSL Variant Classification Criteria 13 December 2019. Collection method: clinical testing. Allele origin: germline.

Dipartimento Di Medicina Di Precisione, Università Degli Studi Della Campania Luigi Vanvitelli
Classification: Benign for Breast-ovarian cancer, familial, susceptibility to, 2. Review status: criteria provided, single submitter. Criteria: ACMG Guidelines, 2015. Collection method: clinical testing. Allele origin: germline. Inheritance: Autosomal dominant inheritance. Affected: yes. Observed: 1 heterozygote.
Comment: The missense variant c.157T>A (p.Ser53Thr) in CHEK2, located in exon 3, results in the substitution of a serine residue with threonine. Initially classified as a Variant of Uncertain Significance (VUS), this variant has been reclassified as benign based on silico prediction tools indicating no significant impact on protein function. Additionally, it is rare in population databases and lacks evidence of pathogenicity from clinical or functional studies.

Counsyl
Classification: Uncertain significance for Familial cancer of breast. Last evaluated: 2016-10-11. Review status: no assertion criteria provided. Collection method: clinical testing. Allele origin: unknown. Not counted in ClinVar's aggregate classification.

ITMI
No classification provided. Condition: AllHighlyPenetrant. Last evaluated: 2013-09-19. Review status: no classification provided. Collection method: reference population. Allele origin: germline. Not counted in ClinVar's aggregate classification.
Comment: Please see associated publication for description of ethnicities

Literature cited by the submitters: PubMed 30344923 (cited by Labcorp Genetics (formerly Invitae), Labcorp and Women's Health and Genetics/Laboratory Corporation of America, LabCorp); PubMed 35534704 (cited by Labcorp Genetics (formerly Invitae), Labcorp and Women's Health and Genetics/Laboratory Corporation of America, LabCorp); PubMed 37449874 (cited by Labcorp Genetics (formerly Invitae), Labcorp and Ambry Genetics); PubMed 24728327 (cited by 5 submitters); PubMed 32658311 (cited by 3 submitters); PubMed 33471991 (cited by 3 submitters); PubMed 25085752 (cited by Myriad Genetics, Inc.); DOI 10.1515/cclm-2012-0154 (cited by Dipartimento Di Medicina Di Precisione, Università Degli Studi Della Campania Luigi Vanvitelli).